The following is an entry in ClinVar:

ClinVar aggregate classification (germline): Uncertain significance. Review status: criteria provided, multiple submitters, no conflicts (2 of 4 stars). 4 submissions from 3 submitters: Uncertain significance (4). Last evaluated 2025-04-07.

Conditions:
Autosomal recessive distal spinal muscular atrophy 1. Also called: HMN VI; NEURONOPATHY, SEVERE INFANTILE AXONAL, WITH RESPIRATORY FAILURE; SEVERE INFANTILE AXONAL NEUROPATHY WITH RESPIRATORY FAILURE; SPINAL MUSCULAR ATROPHY, DIAPHRAGMATIC; Spinal muscular atrophy with respiratory distress 1; NEURONOPATHY, DISTAL HEREDITARY MOTOR, HARDING TYPE VI. Identifiers: Orphanet 98920, MedGen C1858517, MONDO:0011436, OMIM 604320.
Charcot-Marie-Tooth disease axonal type 2S. Also called: CHARCOT-MARIE-TOOTH NEUROPATHY, TYPE 2S; CHARCOT-MARIE-TOOTH DISEASE, AXONAL, AUTOSOMAL RECESSIVE, TYPE 2S. Identifiers: Orphanet 443073, MedGen C4015349, MONDO:0014511, OMIM 616155.

Allele frequency attached by ClinVar (database versions not stated): gnomAD below 0.00001 and 0.00002; TOPMed 0.00002; gnomAD exomes 0.00004; ExAC 0.00005; 1000 Genomes Project 30x 0.00016; 1000 Genomes Project 0.00020.

Submissions (4):

Labcorp Genetics (formerly Invitae), Labcorp
Classification: Uncertain significance for Autosomal recessive distal spinal muscular atrophy 1; Charcot-Marie-Tooth disease axonal type 2S. Last evaluated: 2025-04-07. Review status: criteria provided, single submitter. Criteria: Invitae Variant Classification Sherloc (09022015). Collection method: clinical testing. Allele origin: germline.
Comment: This sequence change replaces valine, which is neutral and non-polar, with methionine, which is neutral and non-polar, at codon 608 of the IGHMBP2 protein (p.Val608Met). This variant is present in population databases (rs573382473, gnomAD 0.04%). This variant has not been reported in the literature in individuals affected with IGHMBP2-related conditions. ClinVar contains an entry for this variant (Variation ID: 534923). Invitae Evidence Modeling of protein sequence and biophysical properties (such as structural, functional, and spatial information, amino acid conservation, physicochemical variation, residue mobility, and thermodynamic stability) has been performed for this missense variant. However, the output from this modeling did not meet the statistical confidence thresholds required to predict the impact of this variant on IGHMBP2 protein function. In summary, the available evidence is currently insufficient to determine the role of this variant in disease. Therefore, it has been classified as a Variant of Uncertain Significance.

Revvity Omics, Revvity
Classification: Uncertain significance. Last evaluated: 2019-06-03. Review status: criteria provided, single submitter. Criteria: ACMG Guidelines, 2015. Collection method: clinical testing. Allele origin: germline.

Neuberg Centre For Genomic Medicine, NCGM
Classification: Uncertain significance for Charcot-Marie-Tooth disease axonal type 2S. Review status: criteria provided, single submitter. Criteria: ACMG Guidelines, 2015. Collection method: clinical testing. Allele origin: germline. Affected: yes.
Comment: The missense variant p.V608M in IGHMBP2 (NM_002180.2) has been submitted to the ClinVar database as Variant of Uncertain significance. The p.V608M variant is observed in 10/30,616 (0.0327%) alleles from individuals of South Asian background in gnomAD Exomes and in 1/978 (0.1022%) alleles from individuals of South Asian background in 1000 Genomes. The p.V608M missense variant is predicted to be damaging by both SIFT and PolyPhen2. The valine residue at codon 608 of IGHMBP2 is conserved in all mammalian species. The nucleotide c.1822 in IGHMBP2 is predicted conserved by GERP++ and PhyloP across 100 vertebrates. For these reasons, this variant has been classified as Uncertain Significance.

Neuberg Centre For Genomic Medicine, NCGM
Classification: Uncertain significance for Autosomal recessive distal spinal muscular atrophy 1. Review status: criteria provided, single submitter. Criteria: ACMG Guidelines, 2015. Collection method: clinical testing. Allele origin: germline. Inheritance: Autosomal recessive inheritance. Affected: yes.
Comment: The observed missense c.1822G>A p.Val608Met variant in IGHMBP2 gene has not been reported previously as a pathogenic variant nor as a benign variant, to our knowledge. The p.Val608Met variant is present with allele frequency of 0.004% in gnomAD Exomes. This variant has been submitted to the ClinVar database as Uncertain Significance. Multiple lines of computational evidence Polyphen - Probably Damaging, SIFT - Damaging and MutationTaster - Disease causing predict a damaging effect on protein structure and function for this variant. The reference amino acid of p.Val608Met in IGHMBP2 is predicted as conserved by GERP++ and PhyloP across 100 vertebrates. The amino acid Val at position 608 is changed to a Met changing protein sequence and it might alter its composition and physico-chemical properties. For these reasons, this variant has been classified as a Variant of Uncertain Significance VUS. In absence of another reportable variant in IGHMBP2, the molecular diagnosis is not confirmed.

NM_002180.3(IGHMBP2):c.1822G>A (p.Val608Met)

Gene: IGHMBP2 (immunoglobulin mu DNA binding protein 2; plus strand). Cytogenetic location: 11q13.3.
Variant type: single nucleotide variant.
Coding change: c.1822G>A on transcript NM_002180.3 (MANE Select); coding-DNA position 1822, G replaced by A.
Protein change: p.Val608Met; replaces valine 608 with methionine.
Molecular consequence: missense variant.
Genome position (GRCh38, 1-based): chr11:68,936,302, G>A. VCF-style: chr11-68936302-G-A. GRCh37 (hg19) VCF-style: chr11-68703770-G-A.
Other names: short protein forms V608M.
Identifiers: ClinVar variation 534923 (VCV000534923.14), dbSNP rs573382473, ClinGen allele CA6153787.